The following is an entry in ClinVar:

NM_025243.4(SLC19A3):c.*1090G>A

Gene: SLC19A3 (solute carrier family 19 member 3; minus strand). Cytogenetic location: 2q36.3.
Variant type: single nucleotide variant.
Coding change: c.*1090G>A on transcript NM_025243.4 (MANE Select); 1090 bases downstream of the stop codon, G replaced by A.
Molecular consequence: 3 prime UTR variant.
Genome position (GRCh38, 1-based): chr2:227,686,307, C>T on the plus strand (G>A on the coding strand, the complement: SLC19A3 is on the minus strand). VCF-style: chr2-227686307-C-T. GRCh37 (hg19) VCF-style: chr2-228551023-C-T.
Identifiers: ClinVar variation 334856 (VCV000334856.6), dbSNP rs78560894, ClinGen allele CA10614497.
Genomic context (GRCh38, chr2:227,686,307, plus strand): 5'-GTTTTCTTATTTCTAATACTTCTAGAAACCTCCTTTAAGTTTTCCTATTTTAGACAGACA[C>T]CACACAGGTGCTCTTTTTTGGGAGGAGGGGGATGAGAGTCTTACTCTGTTGCCCAGGCTG-3'

ClinVar aggregate classification (germline): Benign. Review status: criteria provided, multiple submitters, no conflicts (2 of 4 stars). 2 submissions from 2 submitters: Benign (2). Last evaluated 2018-01-13.

Conditions:
Biotin-responsive basal ganglia disease (BTBGD). Also called: Thiamine Transporter-2 Deficiency; THIAMINE METABOLISM DYSFUNCTION SYNDROME 2 (BIOTIN- AND THIAMINE-RESPONSIVE TYPE); Thiamine metabolism dysfunction syndrome type 2; Thiamine metabolism dysfunction syndrome 2 (biotin- or thiamine-responsive encephalopathy type 2); thiamine-responsive encephalopathy. Identifiers: Orphanet 199348, Orphanet 65284, MedGen C1843807, MONDO:0011841, OMIM 607483.

Allele frequency attached by ClinVar (database versions not stated): gnomAD exomes 0.01474; gnomAD 0.07549 and 0.08018; TOPMed 0.08460; 1000 Genomes Project 0.08846; 1000 Genomes Project 30x 0.09900.
gnomAD v4.1: 13,588 of 297,598 alleles (4.6%); highest among the groups gnomAD compares: African/African-American, 24%; 1,268 homozygotes.

Submissions (2):

Illumina Laboratory Services, Illumina
Classification: Benign for Biotin-responsive basal ganglia disease. Last evaluated: 2018-01-13. Review status: criteria provided, single submitter. Criteria: ICSL Variant Classification Criteria 13 December 2019. Collection method: clinical testing. Allele origin: germline.
Comment: This variant was observed in the ICSL laboratory as part of a predisposition screen in an ostensibly healthy population. It had not been previously curated by ICSL or reported in the Human Gene Mutation Database (HGMD: prior to June 1st, 2018), and was therefore a candidate for classification through an automated scoring system. Utilizing variant allele frequency, disease prevalence and penetrance estimates, and inheritance mode, an automated score was calculated to assess if this variant is too frequent to cause the disease. Based on the score and internal cut-off values, a variant classified as benign is not then subjected to further curation. The score for this variant resulted in a classification of benign for this disease.

Breakthrough Genomics
Classification: Benign. Review status: criteria provided, single submitter. Criteria: ACMG Guidelines, 2015. Collection method: not provided. Allele origin: germline. Inheritance: Autosomal recessive inheritance. Affected: yes.